The following is an entry in ClinVar:

ClinVar aggregate classification (germline): Uncertain significance (1 of 4 stars; one submission).

Conditions:
Baller-Gerold syndrome (BGS). Also called: CRANIOSYNOSTOSIS WITH RADIAL DEFECTS. Identifiers: Orphanet 1225, MedGen C0265308, MONDO:0009039, OMIM 218600.

Submission:

Labcorp Genetics (formerly Invitae), Labcorp
Classification: Uncertain significance for Baller-Gerold syndrome. Last evaluated: 2022-10-14. Review status: criteria provided, single submitter. Criteria: Invitae Variant Classification Sherloc (09022015). Collection method: clinical testing. Allele origin: germline.
Comment: Algorithms developed to predict the effect of sequence changes on RNA splicing suggest that this variant may disrupt the consensus splice site. In summary, the available evidence is currently insufficient to determine the role of this variant in disease. Therefore, it has been classified as a Variant of Uncertain Significance. Advanced modeling of protein sequence and biophysical properties (such as structural, functional, and spatial information, amino acid conservation, physicochemical variation, residue mobility, and thermodynamic stability) performed at Invitae indicates that this missense variant is not expected to disrupt RECQL4 protein function. ClinVar contains an entry for this variant (Variation ID: 1409119). This variant has not been reported in the literature in individuals affected with RECQL4-related conditions. This variant is not present in population databases (gnomAD no frequency). This sequence change replaces leucine, which is neutral and non-polar, with phenylalanine, which is neutral and non-polar, at codon 1037 of the RECQL4 protein (p.Leu1037Phe).

NM_004260.4(RECQL4):c.3109C>T (p.Leu1037Phe)

Gene: RECQL4 (RecQ like helicase 4; minus strand). Cytogenetic location: 8q24.3.
Variant type: single nucleotide variant.
Coding change: c.3109C>T on transcript NM_004260.4 (MANE Select); coding-DNA position 3109, C replaced by T.
Protein change: p.Leu1037Phe; replaces leucine 1037 with phenylalanine.
Molecular consequence: missense variant.
Genome position (GRCh38, 1-based): chr8:144,512,271, G>A on the plus strand (C>T on the coding strand, the complement: RECQL4 is on the minus strand). VCF-style: chr8-144512271-G-A. GRCh37 (hg19) VCF-style: chr8-145737654-G-A.
Other names: short protein forms L1037F.
Identifiers: ClinVar variation 1409119 (VCV001409119.6), dbSNP rs2130659824, ClinGen allele CA372670587.